The following is an entry in ClinVar:

ClinVar aggregate classification (germline): Pathogenic (1 of 4 stars; one submission).

Conditions:
Neurofibromatosis, type 1 (NF1). Also called: VON RECKLINGHAUSEN DISEASE; Peripheral type neurofibromatosis; Neurofibromatosis, type I; NEUROFIBROMATOSIS, TYPE I, SOMATIC. Identifiers: Orphanet 636, MedGen C0027831, MONDO:0018975, OMIM 162200. Disease mechanism: loss of function.

Submission:

KCCC/NGS Laboratory, Kuwait Cancer Control Center
Classification: Pathogenic for Neurofibromatosis, type 1. Last evaluated: 2024-09-09. Review status: criteria provided, single submitter. Criteria: ACMG Guidelines, 2015. Collection method: clinical testing. Allele origin: germline. Inheritance: Autosomal dominant inheritance. Affected: yes. Observed: 1 heterozygote.
Comment: This sequence change creates a premature translational stop signal (p.Val2598fs) in the NF1 gene. It is expected to result in an absent or disrupted protein product. This variant has not been reported in the literature in individuals with NF1-related conditions. This variant is not present in the population databases (ExAC). This variant is not reported in ClinVar. However, another variant (c.7793del) which leads to the same protein change (p.2598fs) is classified in ClinVar as pathogenic. Loss-of-function variants in the NF1 gene are known to be pathogenic (PMID: 10712197, 23913538). Therefore, this variant has been classified as pathogenic.

NM_001042492.3(NF1):c.7791del (p.Val2598fs)

Gene: NF1 (neurofibromin 1; plus strand). Cytogenetic location: 17q11.2.
Variant type: Deletion.
Coding change: c.7791del on transcript NM_001042492.3 (MANE Select); coding-DNA position 7791, one base deleted (A; older notation c.7791delA).
Protein change: p.Val2598fs; shifts the reading frame from valine 2598.
Molecular consequence: frameshift variant.
Genome position (GRCh38, 1-based): chr17:31,357,012, A deleted. VCF-style (leftmost placement, unchanged base first): chr17-31357011-CA-C. GRCh37 (hg19) VCF-style: chr17-29684029-CA-C.
Other names: c.7728delA, p.Val2577Cysfs (NM_000267.4); c.7791delA, p.Val2598Cysfs (NM_001042492.2); short protein forms V2577fs, V2598fs.
Identifiers: ClinVar variation 3362245 (VCV003362245.2).